The following is an entry in ClinVar:

ClinVar aggregate classification (germline): Uncertain significance. Review status: criteria provided, multiple submitters, no conflicts (2 of 4 stars). 2 submissions from 2 submitters: Uncertain significance (2). Last evaluated 2024-03-25.

Conditions:
Acromesomelic dysplasia 1, Maroteaux type (AMD1). Also called: ACROMESOMELIC DYSPLASIA 1; ST. HELENA DYSPLASIA. Identifiers: Orphanet 40, MedGen C1864356, MONDO:0011275, OMIM 602875.

Submissions (2):

GeneDx
Classification: Uncertain significance. Last evaluated: 2024-03-25. Review status: criteria provided, single submitter. Criteria: GeneDx Variant Classification Process June 2021. Collection method: clinical testing. Allele origin: germline. Affected: yes.
Comment: Not observed at significant frequency in large population cohorts (gnomAD); In silico analysis supports that this missense variant has a deleterious effect on protein structure/function; This variant is associated with the following publications: (PMID: 33288834)

Hacettepe Genetic Diseases Diagnosis Center, Hacettepe University Faculty of Medicine
Classification: Uncertain significance for Acromesomelic dysplasia 1, Maroteaux type. Last evaluated: 2020-05-08. Review status: criteria provided, single submitter. Criteria: ACMG Guidelines, 2015. Collection method: clinical testing. Allele origin: germline. Inheritance: Autosomal recessive inheritance. Affected: yes. Observed: 1 compound heterozygote.
Comment: Of those, one was a missense variant (c.422G>A, p.Arg141His) in exon 1 which has not been reported previously. This variant was not described in the ExAC and gnomAD databases. This variant was classified as uncertain significance according to the ACMG guidelines and predicted to be deleterious by in silico pathogenicity prediction tools such as PolyPhen-2 and MutationTaster.

NM_003995.4(NPR2):c.422G>A (p.Arg141His)

Gene: NPR2 (natriuretic peptide receptor 2; plus strand). Cytogenetic location: 9p13.3.
Variant type: single nucleotide variant.
Coding change: c.422G>A on transcript NM_003995.4 (MANE Select); coding-DNA position 422, G replaced by A.
Protein change: p.Arg141His; replaces arginine 141 with histidine.
Molecular consequence: missense variant.
Genome position (GRCh38, 1-based): chr9:35,792,830, G>A. VCF-style: chr9-35792830-G-A. GRCh37 (hg19) VCF-style: chr9-35792827-G-A.
Other names: c.422G>A (NM_003995.3); short protein forms R141H.
Identifiers: ClinVar variation 873134 (VCV000873134.3), dbSNP rs1827828857, ClinGen allele CA373363897.